The following is an entry in ClinVar:

NM_002609.4(PDGFRB):c.212A>G (p.Gln71Arg)

Gene: PDGFRB (platelet derived growth factor receptor beta; minus strand). Cytogenetic location: 5q32.
Variant type: single nucleotide variant.
Coding change: c.212A>G on transcript NM_002609.4 (MANE Select); coding-DNA position 212, A replaced by G.
Protein change: p.Gln71Arg; replaces glutamine 71 with arginine.
Molecular consequence: missense variant. On other transcripts: 5 prime UTR variant (1).
Genome position (GRCh38, 1-based): chr5:150,135,707, T>C on the plus strand (A>G on the coding strand, the complement: PDGFRB is on the minus strand). VCF-style: chr5-150135707-T-C. GRCh37 (hg19) VCF-style: chr5-149515270-T-C.
Other names: c.20A>G, p.Gln7Arg (NM_001355016.2); c.-306A>G (NM_001355017.2); short protein forms Q71R, Q7R.
Identifiers: ClinVar variation 4784251 (VCV004784251.1).

ClinVar aggregate classification (germline): Uncertain significance (1 of 4 stars; one submission).

Conditions:
Skeletal overgrowth-craniofacial dysmorphism-hyperelastic skin-white matter lesions syndrome. Also called: SKELETAL OVERGROWTH WITH FACIAL DYSMORPHISM, HYPERELASTIC SKIN, WHITE MATTER LESIONS, AND NEUROLOGIC DETERIORATION; Kosaki overgrowth syndrome. Identifiers: Orphanet 477831, MedGen C4225270, MONDO:0014704, OMIM 616592.
Acroosteolysis-keloid-like lesions-premature aging syndrome. Also called: Premature aging syndrome, Penttinen type; Prematurely aged appearance, delayed bone maturation, acro-osteolysis, and brachydactyly; Progeroid syndrome, Penttinen type. Identifiers: Orphanet 363665, MedGen C1866182, MONDO:0011150, OMIM 601812.
Infantile myofibromatosis (IMF). Also called: Congenital generalized fibromatosis. Identifiers: Orphanet 2591, MedGen C0432284, MONDO:0016824.
Basal ganglia calcification, idiopathic, 4 (PFBC4). Also called: Familial Idiopathic Basal Ganglia Calcification 4; PRIMARY FAMILIAL BRAIN CALCIFICATION 4, AUTOSOMAL DOMINANT. Identifiers: Orphanet 1980, MedGen C3554321, MONDO:0014004, OMIM 615007.

gnomAD v4.1: 11 of 1,614,012 alleles (0.00068%); highest among the groups gnomAD compares: African/African-American, 0.0013%; no homozygotes.

Submission:

Labcorp Genetics (formerly Invitae), Labcorp
Classification: Uncertain significance for Basal ganglia calcification, idiopathic, 4; Skeletal overgrowth-craniofacial dysmorphism-hyperelastic skin-white matter lesions syndrome; Infantile myofibromatosis; Acroosteolysis-keloid-like lesions-premature aging syndrome. Last evaluated: 2025-12-07. Review status: criteria provided, single submitter. Criteria: Invitae Variant Classification Sherloc (09022015). Collection method: clinical testing. Allele origin: germline.
Comment: This sequence change replaces glutamine, which is neutral and polar, with arginine, which is basic and polar, at codon 71 of the PDGFRB protein (p.Gln71Arg). This variant is present in population databases (rs778879949, gnomAD 0.004%). This variant has not been reported in the literature in individuals affected with PDGFRB-related conditions. Invitae Evidence Modeling of protein sequence and biophysical properties (such as structural, functional, and spatial information, amino acid conservation, physicochemical variation, residue mobility, and thermodynamic stability) indicates that this missense variant is not expected to disrupt PDGFRB protein function with a negative predictive value of 80%. In summary, the available evidence is currently insufficient to determine the role of this variant in disease. Therefore, it has been classified as a Variant of Uncertain Significance.